The following is an entry in ClinVar:

NM_020754.4(ARHGAP31):c.185C>T (p.Ser62Leu)

Gene: ARHGAP31 (Rho GTPase activating protein 31; plus strand). Cytogenetic location: 3q13.33.
Variant type: single nucleotide variant.
Coding change: c.185C>T on transcript NM_020754.4 (MANE Select); coding-DNA position 185, C replaced by T.
Protein change: p.Ser62Leu; replaces serine 62 with leucine.
Molecular consequence: missense variant.
Genome position (GRCh38, 1-based): chr3:119,365,400, C>T. VCF-style: chr3-119365400-C-T. GRCh37 (hg19) VCF-style: chr3-119084247-C-T.
Other names: short protein forms S62L.
Identifiers: ClinVar variation 4691012 (VCV004691012.1).
Genomic context (GRCh38, chr3:119,365,400, plus strand): 5'-CAGAATTTATAGAGACTCACGGCATCGTGGATGGAATCTATCGGCTTTCAGGAGTCACCT[C>T]AAACATACAACGGCTAAGGTAAGCTAAAAGAATAGCCCTAAAAGAATTCTCCCATGATTC-3'
Protein context (NP_065805.2, residues 52-72): DGIYRLSGVT[Ser62Leu]NIQRLRQEFG

ClinVar aggregate classification (germline): Uncertain significance (1 of 4 stars; one submission).

gnomAD v4.1: 3 of 1,613,916 alleles (0.00019%); highest among the groups gnomAD compares: Non-Finnish European, 0.00025%; no homozygotes.

Submission:

Labcorp Genetics (formerly Invitae), Labcorp
Classification: Uncertain significance. Last evaluated: 2025-11-18. Review status: criteria provided, single submitter. Criteria: Invitae Variant Classification Sherloc (09022015). Collection method: clinical testing. Allele origin: germline.
Comment: This sequence change replaces serine, which is neutral and polar, with leucine, which is neutral and non-polar, at codon 62 of the ARHGAP31 protein (p.Ser62Leu). This variant is present in population databases (no rsID available, gnomAD 0.0009%). This variant has not been reported in the literature in individuals affected with ARHGAP31-related conditions. An algorithm developed to predict the effect of missense changes on protein structure and function (PolyPhen-2) suggests that this variant is likely to be disruptive. In summary, the available evidence is currently insufficient to determine the role of this variant in disease. Therefore, it has been classified as a Variant of Uncertain Significance.